The following is an entry in ClinVar:

ClinVar aggregate classification (germline): Uncertain significance (1 of 4 stars; one submission).

Allele frequency attached by ClinVar (database versions not stated): TOPMed below 0.00001; gnomAD 0.00001.
gnomAD v4.1: 1 of 1,612,024 alleles (0.000062%); highest among the groups gnomAD compares: Non-Finnish European, 0.000085%; no homozygotes.

Submission:

GeneDx
Classification: Uncertain significance. Last evaluated: 2023-04-17. Review status: criteria provided, single submitter. Criteria: GeneDx Variant Classification Process June 2021. Collection method: clinical testing. Allele origin: germline. Affected: yes.
Comment: Not observed at significant frequency in large population cohorts (gnomAD); In silico analysis supports that this missense variant does not alter protein structure/function; Has not been previously published as pathogenic or benign to our knowledge

NM_003136.4(SRP54):c.93G>C (p.Met31Ile)

Gene: SRP54 (signal recognition particle 54; plus strand). Cytogenetic location: 14q13.2.
Variant type: single nucleotide variant.
Coding change: c.93G>C on transcript NM_003136.4 (MANE Select); coding-DNA position 93, G replaced by C.
Protein change: p.Met31Ile; replaces methionine 31 with isoleucine.
Molecular consequence: missense variant. On other transcripts: intron variant (1).
Genome position (GRCh38, 1-based): chr14:34,999,572, G>C. VCF-style: chr14-34999572-G-C. GRCh37 (hg19) VCF-style: chr14-35468778-G-C.
Other names: c.93G>C, p.Met31Ile (NM_001411017.1); c.24-1364G>C (NM_001146282.2); short protein forms M31I.
Identifiers: ClinVar variation 2662152 (VCV002662152.1), dbSNP rs1411095348, ClinGen allele CA389436460.